The following is an entry in ClinVar:

ClinVar aggregate classification (germline): Conflicting classifications of pathogenicity. Review status: criteria provided, conflicting classifications (1 of 4 stars). 11 submissions from 11 submitters: Likely pathogenic (1); Uncertain significance (3); Benign (2); Likely benign (4). 1 of the submissions does not count toward it. Last evaluated 2026-06-01.

Conditions:
TNXB-related disorder. Also called: TNXB-related condition.
Vesicoureteral reflux 8 (VUR8). Identifiers: Orphanet 289365, MedGen C4014831, MONDO:0014422, OMIM 615963.
Ehlers-Danlos syndrome due to tenascin-X deficiency (EDSCLL1). Also called: TNX DEFICIENCY; TNXB-Related Classical-Like Ehlers-Danlos Syndrome; EHLERS-DANLOS SYNDROME, CLASSIC-LIKE; Ehlers-Danlos syndrome, classic-like, 1; EDS DUE TO TNX DEFICIENCY. Identifiers: Orphanet 230839, MedGen C1848029, MONDO:0011670, OMIM 606408.
Cardiovascular phenotype. Identifiers: MedGen CN230736.
Ehlers-Danlos syndrome (EDS). Identifiers: Orphanet 98249, MedGen C0013720, MONDO:0020066.
Ehlers-Danlos syndrome, type 3. Also called: Ehlers-Danlos Syndrome, Hypermobility Type; EDS3 (formerly); Ehlers-Danlos syndrome type 3 (formerly); EHLERS-DANLOS SYNDROME, TYPE III; BENIGN HYPERMOBILITY SYNDROME; EDS III. Identifiers: Orphanet 285, MedGen C0268337, MONDO:0007523, OMIM 130020.

Allele frequency attached by ClinVar (database versions not stated): gnomAD exomes 0.00045 and 0.00092; gnomAD 0.00055 and 0.00056; TOPMed 0.00057; ESP Exome Variant Server 0.00065; ExAC 0.00072.
gnomAD v4.1: 807 of 1,613,814 alleles (0.05%); highest among the groups gnomAD compares: Admixed American, 0.043%; 7 homozygotes.

Submissions (11):

CeGaT Center for Human Genetics Tuebingen
Classification: Likely benign. Last evaluated: 2026-06-01. Review status: criteria provided, single submitter. Criteria: CeGaT Center For Human Genetics Tuebingen Variant Classification Criteria Version 2. Collection method: clinical testing. Allele origin: germline. Affected: yes. Observed: 4 variant alleles.
Comment: TNXB: BP4, BS2

Women's Health and Genetics/Laboratory Corporation of America, LabCorp
Classification: Uncertain significance. Last evaluated: 2026-04-13. Review status: criteria provided, single submitter. Criteria: LabCorp Variant Classification Summary - May 2015. Collection method: clinical testing. Allele origin: germline.
Comment: Variant summary: TNXB c.6074A>T (p.Asp2025Val) results in a non-conservative amino acid change located in the Fibronectin type-III domain (IPR003961) of the encoded protein sequence. Algorithms developed to predict the effect of missense changes on protein structure and function are either unavailable or do not agree on the potential impact of this missense change. The variant allele was found at a frequency of 0.00092 in 249130 control chromosomes in the gnomAD database, including 1 homozygote. This frequency is not significantly higher than estimated for disease-causing variants in TNXB, allowing no conclusion about variant significance. c.6074A>T has been observed in individuals affected with Ehlers-Danlos syndrome, without strong evidence for causality (Lee_2014, Kaufman_2016). These report(s) do not provide unequivocal conclusions about association of the variant with Ehlers-Danlos syndrome due to tenascin-X deficiency. To our knowledge, no experimental evidence demonstrating an impact on protein function has been reported. The following publications have been ascertained in the context of this evaluation (PMID: 31589614, 28344932, 25326637). ClinVar contains an entry for this variant (Variation ID: 217018). Based on the evidence outlined above, the variant was classified as uncertain significance.

Labcorp Genetics (formerly Invitae), Labcorp
Classification: Benign. Last evaluated: 2026-01-25. Review status: criteria provided, single submitter. Criteria: Invitae Variant Classification Sherloc (09022015). Collection method: clinical testing. Allele origin: germline.

PreventionGenetics, part of Exact Sciences
Classification: Likely benign for TNXB-related condition. Last evaluated: 2025-12-08. Review status: criteria provided, single submitter. Criteria: ACMG Guidelines, 2015. Collection method: clinical testing. Allele origin: germline.
Comment: This variant is classified as likely benign based on ACMG/AMP sequence variant interpretation guidelines (Richards et al. 2015 PMID: 25741868, with internal and published modifications).

Mayo Clinic Laboratories, Mayo Clinic
Classification: Likely benign. Last evaluated: 2025-11-14. Review status: criteria provided, single submitter. Criteria: ACMG Guidelines, 2015. Collection method: clinical testing. Allele origin: germline. Observed: 1 variant allele.
Comment: BS1, BS2_supporting

Genome Diagnostics Laboratory, The Hospital for Sick Children
Classification: Uncertain significance for Ehlers-Danlos syndrome. Last evaluated: 2022-02-23. Review status: criteria provided, single submitter. Criteria: ACMG Guidelines, 2015. Collection method: clinical testing. Allele origin: germline.

Department of Pathology and Laboratory Medicine, Sinai Health System
Classification: Uncertain significance for Ehlers-Danlos syndrome due to tenascin-X deficiency; Vesicoureteral reflux 8. Last evaluated: 2021-07-30. Review status: criteria provided, single submitter. Criteria: ACMG Guidelines, 2015. Collection method: research. Allele origin: germline.

GeneDx
Classification: Likely benign. Last evaluated: 2021-06-22. Review status: criteria provided, single submitter. Criteria: GeneDx Variant Classification Process June 2021. Collection method: clinical testing. Allele origin: germline. Affected: yes.
Comment: Reported as a single heterozygous variant in association with joint pain, hypermobility, chronic muscle weakness, and Raynaud's phenomenon (Lee et al., 2014; Kaufman et al., 2016); however no segregation data is available, and at least one patient is Ashkenazi Jewish; This variant is associated with the following publications: (PMID: 31589614, 26582918, 25326637, 28344932)

Ambry Genetics
Classification: Benign for Cardiovascular phenotype. Last evaluated: 2019-05-03. Review status: criteria provided, single submitter. Criteria: Ambry Variant Classification Scheme 2023. Collection method: clinical testing. Allele origin: germline.

UCLA Clinical Genomics Center, UCLA
Classification: Likely pathogenic for Ehlers-Danlos syndrome, type 3. Last evaluated: 2013-02-05. Review status: criteria provided, single submitter. Criteria: Lee et al. (JAMA. 2014). Collection method: clinical testing. Allele origin: unknown. Inheritance: Autosomal dominant inheritance. Affected: yes. Study: CES.

Reproductive Health Research and Development, BGI Genomics
Classification: Uncertain significance for Ehlers-Danlos syndrome, type 3. Last evaluated: 2020-01-06. Review status: no assertion criteria provided. Collection method: curation. Allele origin: germline. Not counted in ClinVar's aggregate classification.
Comment: NM_019105.6:c.6074A>T in the TNXB gene has an allele frequency of 0.018 in Ashkenazi Jewish subpopulation in the gnomAD database. Pathogenic computational verdict because pathogenic predictions from DANN, EIGEN, FATHMM-MKL, MutationTaster and SIFT. It has been detected in heterozygous state in one individual with Ehlers-Danlos syndrome (PMID: 25326637). We interpret it as variant of uncertain significance (VUS). ACMG/AMP criteria applied: PP3; PP4.

Literature cited by the submitters: PubMed 25326637 (cited by Women's Health and Genetics/Laboratory Corporation of America, LabCorp and Mayo Clinic Laboratories, Mayo Clinic); PubMed 31589614 (cited by Women's Health and Genetics/Laboratory Corporation of America, LabCorp and Mayo Clinic Laboratories, Mayo Clinic); PubMed 28344932 (cited by Women's Health and Genetics/Laboratory Corporation of America, LabCorp and Mayo Clinic Laboratories, Mayo Clinic).

NM_001365276.2(TNXB):c.6074A>T (p.Asp2025Val)

Gene: TNXB (tenascin XB; minus strand). Cytogenetic location: 6p21.33.
Variant type: single nucleotide variant.
Coding change: c.6074A>T on transcript NM_001365276.2 (MANE Select); coding-DNA position 6074, A replaced by T.
Protein change: p.Asp2025Val; replaces aspartic acid 2025 with valine.
Molecular consequence: missense variant.
Genome position (GRCh38, 1-based): chr6:32,068,536, T>A on the plus strand (A>T on the coding strand, the complement: TNXB is on the minus strand). VCF-style: chr6-32068536-T-A. GRCh37 (hg19) VCF-style: chr6-32036313-T-A.
Other names: p.Asp2025Val; c.6074A>T, p.Asp2025Val (NM_019105.8); short protein forms D2025V.
Identifiers: ClinVar variation 217018 (VCV000217018.59), dbSNP rs201397168, ClinGen allele CA281510.